The following is an entry in ClinVar:

ClinVar aggregate classification (germline): Uncertain significance. Review status: criteria provided, multiple submitters, no conflicts (2 of 4 stars). 3 submissions from 3 submitters: Uncertain significance (2). 1 of the submissions does not count toward it. Last evaluated 2025-03-10.

Conditions:
Inborn genetic diseases. Identifiers: MedGen C0950123, MeSH D030342.
Hyperornithinemia-hyperammonemia-homocitrullinuria syndrome (HHHS). Also called: Ornithine translocase deficiency; HHH SYNDROME. Identifiers: Orphanet 415, MedGen C0268540, MONDO:0009393, OMIM 238970.

Allele frequency attached by ClinVar (database versions not stated): ExAC 0.00001; gnomAD 0.00001; gnomAD exomes 0.00001; TOPMed 0.00002.
gnomAD v4.1: 13 of 1,613,192 alleles (0.00081%); highest among the groups gnomAD compares: Non-Finnish European, 0.0011%; no homozygotes.

Submissions (3):

Ambry Genetics
Classification: Uncertain significance for Inborn genetic diseases. Last evaluated: 2025-03-10. Review status: criteria provided, single submitter. Criteria: Ambry Variant Classification Scheme 2023. Collection method: clinical testing. Allele origin: germline.

Labcorp Genetics (formerly Invitae), Labcorp
Classification: Uncertain significance for Hyperornithinemia-hyperammonemia-homocitrullinuria syndrome. Last evaluated: 2021-09-01. Review status: criteria provided, single submitter. Criteria: Invitae Variant Classification Sherloc (09022015). Collection method: clinical testing. Allele origin: germline.
Comment: This sequence change replaces lysine with isoleucine at codon 234 of the SLC25A15 protein (p.Lys234Ile). The lysine residue is highly conserved and there is a moderate physicochemical difference between lysine and isoleucine. This variant is present in population databases (rs780409673, ExAC 0.002%). This variant has not been reported in the literature in individuals affected with SLC25A15-related conditions. Algorithms developed to predict the effect of missense changes on protein structure and function (SIFT, PolyPhen-2, Align-GVGD) all suggest that this variant is likely to be disruptive. In summary, the available evidence is currently insufficient to determine the role of this variant in disease. Therefore, it has been classified as a Variant of Uncertain Significance.

Natera, Inc.
Classification: Uncertain significance for Hyperornithinemia-hyperammonemia-homocitrullinuria syndrome. Last evaluated: 2020-03-11. Review status: no assertion criteria provided. Collection method: clinical testing. Allele origin: germline. Not counted in ClinVar's aggregate classification.

NM_014252.4(SLC25A15):c.701A>T (p.Lys234Ile)

Gene: SLC25A15 (solute carrier family 25 member 15; plus strand). Cytogenetic location: 13q14.11.
Variant type: single nucleotide variant.
Coding change: c.701A>T on transcript NM_014252.4 (MANE Select); coding-DNA position 701, A replaced by T.
Protein change: p.Lys234Ile; replaces lysine 234 with isoleucine.
Molecular consequence: missense variant.
Genome position (GRCh38, 1-based): chr13:40,808,516, A>T. VCF-style: chr13-40808516-A-T. GRCh37 (hg19) VCF-style: chr13-41382652-A-T.
Other names: c.701A>T (NM_014252.3); short protein forms K234I.
Identifiers: ClinVar variation 1038231 (VCV001038231.10), dbSNP rs780409673, ClinGen allele CA6959806.